The following is an entry in ClinVar:

ClinVar aggregate classification (germline): Uncertain significance. Review status: criteria provided, multiple submitters, no conflicts (2 of 4 stars). 3 submissions from 3 submitters: Uncertain significance (2). 1 of the submissions does not count toward it. Last evaluated 2025-10-28.

Conditions:
JAG1-related disorder. Also called: JAG1-related condition; JAG1-related disorders.
Cardiovascular phenotype. Identifiers: MedGen CN230736.
Alagille syndrome due to a JAG1 point mutation. Also called: HEPATIC DUCTULAR HYPOPLASIA, SYNDROMATIC; Alagille Syndrome 1; JAG1-Related Alagille Syndrome. Identifiers: Orphanet 261619, Orphanet 52, MedGen C1956125, MONDO:0016862, OMIM 118450.

Submissions (3):

Labcorp Genetics (formerly Invitae), Labcorp
Classification: Uncertain significance for Alagille syndrome due to a JAG1 point mutation. Last evaluated: 2025-10-28. Review status: criteria provided, single submitter. Criteria: Invitae Variant Classification Sherloc (09022015). Collection method: clinical testing. Allele origin: germline.
Comment: This sequence change replaces cysteine, which is neutral and slightly polar, with arginine, which is basic and polar, at codon 458 of the JAG1 protein (p.Cys458Arg). This variant is not present in population databases (gnomAD no frequency). This variant has not been reported in the literature in individuals affected with JAG1-related conditions. ClinVar contains an entry for this variant (Variation ID: 1771084). Invitae Evidence Modeling of protein sequence and biophysical properties (such as structural, functional, and spatial information, amino acid conservation, physicochemical variation, residue mobility, and thermodynamic stability) indicates that this missense variant is expected to disrupt JAG1 protein function with a positive predictive value of 95%. In summary, the available evidence is currently insufficient to determine the role of this variant in disease. Therefore, it has been classified as a Variant of Uncertain Significance.

Ambry Genetics
Classification: Uncertain significance for Cardiovascular phenotype. Last evaluated: 2022-03-09. Review status: criteria provided, single submitter. Criteria: Ambry Variant Classification Scheme 2023. Collection method: clinical testing. Allele origin: germline.
Comment: The p.C458R variant (also known as c.1372T>C), located in coding exon 11 of the JAG1 gene, results from a T to C substitution at nucleotide position 1372. The cysteine at codon 458 is replaced by arginine, an amino acid with highly dissimilar properties. This amino acid position is conserved. In addition, this alteration is predicted to be deleterious by in silico analysis. Since supporting evidence is limited at this time, the clinical significance of this alteration remains unclear.

PreventionGenetics, part of Exact Sciences
Classification: Uncertain significance for JAG1-related condition. Last evaluated: 2024-04-06. Review status: no assertion criteria provided. Collection method: clinical testing. Allele origin: germline. Not counted in ClinVar's aggregate classification.
Comment: The JAG1 c.1372T>C variant is predicted to result in the amino acid substitution p.Cys458Arg. To our knowledge, this variant has not been reported in the literature or in a large population database, indicating this variant is rare. At this time, the clinical significance of this variant is uncertain due to the absence of conclusive functional and genetic evidence.

NM_000214.3(JAG1):c.1372T>C (p.Cys458Arg)

Gene: JAG1 (jagged canonical Notch ligand 1; minus strand). Cytogenetic location: 20p12.2.
Variant type: single nucleotide variant.
Coding change: c.1372T>C on transcript NM_000214.3 (MANE Select); coding-DNA position 1372, T replaced by C.
Protein change: p.Cys458Arg; replaces cysteine 458 with arginine.
Molecular consequence: missense variant.
Genome position (GRCh38, 1-based): chr20:10,649,084, A>G on the plus strand (T>C on the coding strand, the complement: JAG1 is on the minus strand). VCF-style: chr20-10649084-A-G. GRCh37 (hg19) VCF-style: chr20-10629732-A-G.
Other names: short protein forms C458R.
Identifiers: ClinVar variation 1771084 (VCV001771084.5), dbSNP rs2514517850, ClinGen allele CA408238012.